The following is an entry in ClinVar:

NM_001034850.3(RETREG1):c.614C>T (p.Thr205Ile)

Gene: RETREG1 (reticulophagy regulator 1; minus strand). Cytogenetic location: 5p15.1.
Variant type: single nucleotide variant.
Coding change: c.614C>T on transcript NM_001034850.3 (MANE Select); coding-DNA position 614, C replaced by T.
Protein change: p.Thr205Ile; replaces threonine 205 with isoleucine.
Molecular consequence: missense variant.
Genome position (GRCh38, 1-based): chr5:16,481,065, G>A on the plus strand (C>T on the coding strand, the complement: RETREG1 is on the minus strand). VCF-style: chr5-16481065-G-A. GRCh37 (hg19) VCF-style: chr5-16481174-G-A.
Other names: c.191C>T, p.Thr64Ile (NM_019000.5); short protein forms T205I, T64I.
Identifiers: ClinVar variation 660733 (VCV000660733.8), dbSNP rs1579584383, ClinGen allele CA359259008.

ClinVar aggregate classification (germline): Uncertain significance (1 of 4 stars; one submission).

Allele frequency attached by ClinVar (database versions not stated): gnomAD exomes below 0.00001.
gnomAD v4.1: 2 of 1,611,814 alleles (0.00012%); highest among the groups gnomAD compares: South Asian, 0.0022%; no homozygotes.

Submission:

Labcorp Genetics (formerly Invitae), Labcorp
Classification: Uncertain significance. Last evaluated: 2022-08-31. Review status: criteria provided, single submitter. Criteria: Invitae Variant Classification Sherloc (09022015). Collection method: clinical testing. Allele origin: germline.
Comment: This variant has not been reported in the literature in individuals affected with FAM134B-related conditions. This variant is not present in population databases (gnomAD no frequency). This sequence change replaces threonine, which is neutral and polar, with isoleucine, which is neutral and non-polar, at codon 205 of the FAM134B protein (p.Thr205Ile). In summary, the available evidence is currently insufficient to determine the role of this variant in disease. Therefore, it has been classified as a Variant of Uncertain Significance. Algorithms developed to predict the effect of missense changes on protein structure and function are either unavailable or do not agree on the potential impact of this missense change (SIFT: "Deleterious"; PolyPhen-2: "Probably Damaging"; Align-GVGD: "Class C15"). ClinVar contains an entry for this variant (Variation ID: 660733).